The following is an entry in ClinVar:

ClinVar aggregate classification (germline): Uncertain significance (1 of 4 stars; one submission).

Conditions:
Hereditary cancer-predisposing syndrome. Also called: Neoplastic Syndromes, Hereditary; Hereditary Cancer Syndrome; Hereditary neoplastic syndrome; Tumor predisposition. Identifiers: Orphanet 140162, MedGen C0027672, MeSH D009386, MONDO:0015356.

Submission:

Ambry Genetics
Classification: Uncertain significance for Hereditary cancer-predisposing syndrome. Last evaluated: 2023-04-08. Review status: criteria provided, single submitter. Criteria: Ambry Variant Classification Scheme 2023. Collection method: clinical testing. Allele origin: germline.
Comment: The p.G24A variant (also known as c.71G>C), located in coding exon 2 of the MRE11A gene, results from a G to C substitution at nucleotide position 71. The glycine at codon 24 is replaced by alanine, an amino acid with similar properties. This amino acid position is conserved. In addition, this alteration is predicted to be deleterious by in silico analysis. Since supporting evidence is limited at this time, the clinical significance of this alteration remains unclear.

NM_005591.4(MRE11):c.71G>C (p.Gly24Ala)

Gene: MRE11 (MRE11 double strand break repair nuclease; minus strand). Cytogenetic location: 11q21.
Variant type: single nucleotide variant.
Coding change: c.71G>C on transcript NM_005591.4 (MANE Select); coding-DNA position 71, G replaced by C.
Protein change: p.Gly24Ala; replaces glycine 24 with alanine.
Molecular consequence: missense variant.
Genome position (GRCh38, 1-based): chr11:94,490,915, C>G on the plus strand (G>C on the coding strand, the complement: MRE11 is on the minus strand). VCF-style: chr11-94490915-C-G. GRCh37 (hg19) VCF-style: chr11-94224081-C-G.
Other names: c.71G>C, p.Gly24Ala (NM_001330347.2, NM_005590.4); short protein forms G24A.
Identifiers: ClinVar variation 2565897 (VCV002565897.2), dbSNP rs2496653425, ClinGen allele CA382380918.